The following is an entry in ClinVar:

NM_003482.4(KMT2D):c.4877T>C (p.Leu1626Ser)

Gene: KMT2D (lysine methyltransferase 2D; minus strand). Cytogenetic location: 12q13.12.
Variant type: single nucleotide variant.
Coding change: c.4877T>C on transcript NM_003482.4 (MANE Select); coding-DNA position 4877, T replaced by C.
Protein change: p.Leu1626Ser; replaces leucine 1626 with serine.
Molecular consequence: missense variant.
Genome position (GRCh38, 1-based): chr12:49,044,830, A>G on the plus strand (T>C on the coding strand, the complement: KMT2D is on the minus strand). VCF-style: chr12-49044830-A-G. GRCh37 (hg19) VCF-style: chr12-49438613-A-G.
Other names: short protein forms L1626S.
Identifiers: ClinVar variation 1806135 (VCV001806135.1), dbSNP rs2120588328, ClinGen allele CA384640279.

ClinVar aggregate classification (germline): Uncertain significance (1 of 4 stars; one submission).

Conditions:
Kabuki syndrome 1 (KABUK1). Also called: KMT2D-Related Kabuki Syndrome. Identifiers: Orphanet 2322, MedGen CN030661, MONDO:0007843, OMIM 147920.

Submission:

Victorian Clinical Genetics Services, Murdoch Childrens Research Institute
Classification: Uncertain significance for Kabuki syndrome 1. Last evaluated: 2020-10-19. Review status: criteria provided, single submitter. Criteria: ACMG Guidelines, 2015. Collection method: clinical testing. Allele origin: germline. Inheritance: Autosomal dominant inheritance. Affected: yes.
Comment: Based on the classification scheme VCGS_Germline_v1.3.3, this variant is classified as 3B-VUS. Following criteria are met: 0102 - Loss of function is a known mechanism of disease in this gene and is associated with Kabuki syndrome (MIM#147920). (I) 0107 - This gene is associated with autosomal dominant disease. (I) 0200 - Variant is predicted to result in a missense amino acid change from leucine to serine. (I) 0251 - This variant is heterozygous. (I) 0301 - Variant is absent from gnomAD (both v2 and v3). (SP) 0501 - Missense variant consistently predicted to be damaging by multiple in silico tools or highly conserved with a major amino acid change. (SP) 0604 - Variant is not located in an established domain, motif, hotspot or informative constraint region. (I) 0705 - No comparable missense variants have previous evidence for pathogenicity. (I) 0807 - This variant has no previous evidence of pathogenicity. (I) 0905 - No published segregation evidence has been identified for this variant. (I) 1007 - No published functional evidence has been identified for this variant. (I) 1208 - Inheritance information for this variant is not currently available in this individual. (I) Legend: (SP) - Supporting pathogenic, (I) - Information, (SB) - Supporting benign